The following is an entry in ClinVar:

ClinVar aggregate classification (germline): Uncertain significance (1 of 4 stars; one submission).

Conditions:
Immunodeficiency 39 (IMD39). Identifiers: Orphanet 574918, MedGen C4225358, MONDO:0014597, OMIM 616345.

Submission:

Labcorp Genetics (formerly Invitae), Labcorp
Classification: Uncertain significance for Immunodeficiency 39. Last evaluated: 2024-07-11. Review status: criteria provided, single submitter. Criteria: Invitae Variant Classification Sherloc (09022015). Collection method: clinical testing. Allele origin: germline.
Comment: This sequence change replaces alanine, which is neutral and non-polar, with valine, which is neutral and non-polar, at codon 111 of the IRF7 protein (p.Ala111Val). This variant is not present in population databases (gnomAD no frequency). This variant has not been reported in the literature in individuals affected with IRF7-related conditions. Advanced modeling of protein sequence and biophysical properties (such as structural, functional, and spatial information, amino acid conservation, physicochemical variation, residue mobility, and thermodynamic stability) performed at Invitae indicates that this missense variant is expected to disrupt IRF7 protein function with a positive predictive value of 80%. In summary, the available evidence is currently insufficient to determine the role of this variant in disease. Therefore, it has been classified as a Variant of Uncertain Significance.

NM_001572.5(IRF7):c.293C>T (p.Ala98Val)

Gene: IRF7 (interferon regulatory factor 7; minus strand). Cytogenetic location: 11p15.5.
Variant type: single nucleotide variant.
Coding change: c.293C>T on transcript NM_001572.5 (MANE Select); coding-DNA position 293, C replaced by T.
Protein change: p.Ala98Val; replaces alanine 98 with valine.
Molecular consequence: missense variant.
Genome position (GRCh38, 1-based): chr11:614,898, G>A on the plus strand (C>T on the coding strand, the complement: IRF7 is on the minus strand). VCF-style: chr11-614898-G-A. GRCh37 (hg19) VCF-style: chr11-614898-G-A.
Other names: c.293C>T, p.Ala98Val (NM_004029.4); c.332C>T, p.Ala111Val (NM_004031.4); short protein forms A111V, A98V.
Identifiers: ClinVar variation 3708410 (VCV003708410.2).